The following is an entry in ClinVar:

ClinVar aggregate classification (germline): Uncertain significance. Review status: criteria provided, multiple submitters, no conflicts (2 of 4 stars). 4 submissions from 4 submitters: Uncertain significance (4). Last evaluated 2025-04-09.

Conditions:
Cardiomyopathy (CMYO). Also called: Cardiomyopathies. Identifiers: Orphanet 167848, MedGen C0878544, MONDO:0004994, HP:0001638. Inheritance: Various modes of inheritance.
Catecholaminergic polymorphic ventricular tachycardia 1. Also called: RYR2-Related Catecholaminergic Polymorphic Ventricular Tachycardia; VENTRICULAR TACHYCARDIA, CATECHOLAMINERGIC POLYMORPHIC, 1, WITH OR WITHOUT ATRIAL DYSFUNCTION AND/OR DILATED CARDIOMYOPATHY; VENTRICULAR TACHYCARDIA, STRESS-INDUCED POLYMORPHIC 1. Identifiers: Orphanet 3286, MedGen C1631597, MONDO:0011484, OMIM 604772.

Allele frequency attached by ClinVar (database versions not stated): gnomAD exomes below 0.00001.
gnomAD v4.1: 4 of 1,608,540 alleles (0.00025%); highest among the groups gnomAD compares: Middle Eastern, 0.017%; no homozygotes.

Submissions (4):

ARUP Laboratories, Molecular Genetics and Genomics, ARUP Laboratories
Classification: Uncertain significance. Last evaluated: 2025-04-09. Review status: criteria provided, single submitter. Criteria: ARUP Molecular Germline Variant Investigation Process 2024. Collection method: clinical testing. Allele origin: germline.
Comment: The RYR2 c.9412T>C; p.Tyr3138His variant (rs794728765), to our knowledge, is not reported in the medical literature but is reported in ClinVar (Variation ID: 201294). This variant is only observed on one allele in the Genome Aggregation Database (v2.1.1), indicating it is not a common polymorphism. Computational analyses are uncertain whether this variant is neutral or deleterious (REVEL: 0.603). Due to limited information, the clinical significance of this variant is uncertain at this time.

Color Diagnostics, LLC DBA Color Health
Classification: Uncertain significance for Cardiomyopathy. Last evaluated: 2024-03-06. Review status: criteria provided, single submitter. Criteria: ACMG Guidelines, 2015. Collection method: clinical testing. Allele origin: germline.
Comment: This missense variant replaces tyrosine with histidine at codon 3138 of the RYR2 protein. Computational prediction is inconclusive regarding the impact of this variant on protein structure and function (internally defined REVEL score threshold 0.5 < inconclusive < 0.7, PMID: 27666373). To our knowledge, functional studies have not been reported for this variant. This variant has not been reported in individuals affected with cardiovascular disorders in the literature. This variant has not been identified in the general population by the Genome Aggregation Database (gnomAD). The available evidence is insufficient to determine the role of this variant in disease conclusively. Therefore, this variant is classified as a Variant of Uncertain Significance.

Labcorp Genetics (formerly Invitae), Labcorp
Classification: Uncertain significance for Catecholaminergic polymorphic ventricular tachycardia 1. Last evaluated: 2022-10-17. Review status: criteria provided, single submitter. Criteria: Invitae Variant Classification Sherloc (09022015). Collection method: clinical testing. Allele origin: germline.
Comment: This sequence change replaces tyrosine, which is neutral and polar, with histidine, which is basic and polar, at codon 3138 of the RYR2 protein (p.Tyr3138His). The frequency data for this variant in the population databases is considered unreliable, as metrics indicate poor data quality at this position in the gnomAD database. This variant has not been reported in the literature in individuals affected with RYR2-related conditions. ClinVar contains an entry for this variant (Variation ID: 201294). Advanced modeling of protein sequence and biophysical properties (such as structural, functional, and spatial information, amino acid conservation, physicochemical variation, residue mobility, and thermodynamic stability) performed at Invitae indicates that this missense variant is not expected to disrupt RYR2 protein function. In summary, the available evidence is currently insufficient to determine the role of this variant in disease. Therefore, it has been classified as a Variant of Uncertain Significance.

GeneDx
Classification: Uncertain significance. Last evaluated: 2013-01-11. Review status: criteria provided, single submitter. Criteria: GeneDx Variant Classification (06012015). Collection method: clinical testing. Allele origin: germline. Affected: yes.
Comment: p.Tyr3138His (TAT>CAT): c.9412 T>C in exon 66 of the RYR2 gene (NM_001035.2). The Tyr3138His variant in the RYR2 gene has not been reported as a disease-causing mutation or as a benign polymorphism to our knowledge. Tyr3138His results in a non-conservative amino acid substitution of a neutral polar Tyrosine with a positively charged Histidine at a position that is conserved across species. In silico analysis predicts Tyr3138His is probably damaging to the protein structure/function. The NHLBI ESP Exome Variant Server reports Tyr3138His was not observed in approximately 6,000 samples from individuals of European and African American backgrounds, indicating it is not a common benign variant in these populations. Nevertheless, Tyr3138His does not occur in one of the mutation hot spot regions of the RYR2 gene (Medeiros-Domingo A et al., 2009), and no mutations in nearby codons have been reported in association with arrhythmia. We cannot definitively determine if Tyr3138His is a disease-causing mutation or a rare benign variant. The variant is found in ARVC panel(s).

NM_001035.3(RYR2):c.9412T>C (p.Tyr3138His)

Gene: RYR2 (ryanodine receptor 2; plus strand). Cytogenetic location: 1q43.
Variant type: single nucleotide variant.
Coding change: c.9412T>C on transcript NM_001035.3 (MANE Select); coding-DNA position 9412, T replaced by C.
Protein change: p.Tyr3138His; replaces tyrosine 3138 with histidine.
Molecular consequence: missense variant.
Genome position (GRCh38, 1-based): chr1:237,702,022, T>C. VCF-style: chr1-237702022-T-C. GRCh37 (hg19) VCF-style: chr1-237865322-T-C.
Other names: p.Y3138H:TAT>CAT; c.9412T>C, p.Tyr3138His (LRG_402t1); short protein forms Y3138H.
Identifiers: ClinVar variation 201294 (VCV000201294.6), dbSNP rs794728765, ClinGen allele CA011198.
Genomic context (GRCh38, chr1:237,702,022, plus strand): 5'-TTCTCTTTTTCCTTAGTGGAAGATGTCCAGGTGTCTTGTTATAGAATTCTGACTAGCTTA[T>C]ATGCTTTGGGAACCAGCAAGAGTATTTACGTGGAGAGGTAAGAATGTTTAAAGTTTAACT-3'
Protein context (NP_001026.2, residues 3128-3148): VSCYRILTSL[Tyr3138His]ALGTSKSIYV